The following is an entry in ClinVar:

ClinVar aggregate classification (germline): Uncertain significance (1 of 4 stars; one submission).

Submission:

Women's Health and Genetics/Laboratory Corporation of America, LabCorp
Classification: Uncertain significance. Last evaluated: 2025-08-06. Review status: criteria provided, single submitter. Criteria: LabCorp Variant Classification Summary - May 2015. Collection method: clinical testing. Allele origin: germline.
Comment: Variant summary: EIF2B5 c.1154T>C (p.Ile385Thr) results in a non-conservative amino acid change in the encoded protein sequence. Algorithms developed to predict the effect of missense changes on protein structure and function all suggest that this variant is likely to be disruptive. Consensus agreement among computation tools predict no significant impact on normal splicing. However, these predictions have yet to be confirmed by functional studies. The variant was absent in 249720 control chromosomes. The available data on variant occurrences in the general population are insufficient to allow any conclusion about variant significance. c.1154T>C has been observed in a compound heterozygous individual affected with Leukoencephalopathy With Vanishing White Matter (Shimada_2015). These data do not allow any conclusion about variant significance. To our knowledge, no experimental evidence demonstrating an impact on protein function has been reported. The following publications have been ascertained in the context of this evaluation (PMID: 25843247, 34745209). ClinVar contains an entry for this variant (Variation ID: 3384700). Based on the evidence outlined above, the variant was classified as uncertain significance.

Literature cited by the submitters: PubMed 25843247.

NM_003907.3(EIF2B5):c.1154T>C (p.Ile385Thr)

Gene: EIF2B5 (eukaryotic translation initiation factor 2B subunit epsilon; plus strand). Cytogenetic location: 3q27.1.
Variant type: single nucleotide variant.
Coding change: c.1154T>C on transcript NM_003907.3 (MANE Select); coding-DNA position 1154, T replaced by C.
Protein change: p.Ile385Thr; replaces isoleucine 385 with threonine.
Molecular consequence: missense variant.
Genome position (GRCh38, 1-based): chr3:184,140,728, T>C. VCF-style: chr3-184140728-T-C. GRCh37 (hg19) VCF-style: chr3-183858516-T-C.
Other names: short protein forms I385T.
Identifiers: ClinVar variation 3384700 (VCV003384700.2).